The following is an entry in ClinVar:

NM_001267550.2(TTN):c.80782G>A (p.Val26928Ile)

Genes: TTN-AS1 (TTN antisense RNA 1; plus strand), TTN (titin; minus strand). Cytogenetic location: 2q31.2.
Variant type: single nucleotide variant.
Coding change: c.80782G>A on transcript NM_001267550.2 (MANE Select); coding-DNA position 80782, G replaced by A.
Protein change: p.Val26928Ile; replaces valine 26928 with isoleucine.
Molecular consequence: missense variant.
Genome position (GRCh38, 1-based): chr2:178,565,350, C>T on the plus strand (G>A on the coding strand, the complement: TTN is on the minus strand). VCF-style: chr2-178565350-C-T. GRCh37 (hg19) VCF-style: chr2-179430077-C-T.
Other names: c.75859G>A, p.Val25287Ile (NM_001256850.1); c.53587G>A, p.Val17863Ile (NM_003319.4); c.73078G>A, p.Val24360Ile (NM_133378.4); c.53962G>A, p.Val17988Ile (NM_133432.3); c.54163G>A, p.Val18055Ile (NM_133437.4); c.80782G>A (NM_001267550.1); short protein forms V26928I, V24360I, V17988I, V18055I, V17863I, V25287I.
Identifiers: ClinVar variation 238848 (VCV000238848.5), dbSNP rs780885076, ClinGen allele CA1989304.

ClinVar aggregate classification (germline): Uncertain significance. Review status: criteria provided, multiple submitters, no conflicts (2 of 4 stars). 3 submissions from 3 submitters: Uncertain significance (3). Last evaluated 2024-07-15.

Conditions:
Dilated cardiomyopathy 1G (CMD1G). Identifiers: Orphanet 154, MedGen C1858763, MONDO:0011400, OMIM 604145.
Autosomal recessive limb-girdle muscular dystrophy type 2J (LGMDR10). Also called: Limb-girdle muscular dystrophy, type 2J; MUSCULAR DYSTROPHY, LIMB-GIRDLE, AUTOSOMAL RECESSIVE 10. Identifiers: Orphanet 140922, MedGen C1837342, MONDO:0012127, OMIM 608807.
Tibial muscular dystrophy (TMD). Also called: UDD MYOPATHY; Udd Distal Myopathy – Tibial Muscular Dystrophy; Tibial muscular dystrophy, tardive. Identifiers: Orphanet 609, MedGen C1838244, MONDO:0010870, OMIM 600334.
Early-onset myopathy with fatal cardiomyopathy (CMYO5). Also called: Salih Myopathy; CONGENITAL MYOPATHY 5 WITH CARDIOMYOPATHY. Identifiers: Orphanet 289377, MedGen C2673677, MONDO:0012714, OMIM 611705. Disease mechanism: loss of function.
Hypertrophic cardiomyopathy 9. Also called: Familial hypertrophic cardiomyopathy 9. Identifiers: MedGen C1861065, MONDO:0013412, OMIM 613765.
Myopathy, myofibrillar, 9, with early respiratory failure (MFM9). Also called: Hereditary myopathy with early respiratory failure; EDSTROM MYOPATHY; MYOPATHY, PROXIMAL, WITH EARLY RESPIRATORY MUSCLE INVOLVEMENT; Myopathy, distal, with early respiratory failure, autosomal dominant. Identifiers: Orphanet 178464, Orphanet 34521, MedGen C1863599, MONDO:0011362, OMIM 603689.

Allele frequency attached by ClinVar (database versions not stated): TOPMed 0.00005; gnomAD 0.00001; gnomAD exomes 0.00002; ExAC 0.00003.
gnomAD v4.1: 19 of 1,613,490 alleles (0.0012%); highest among the groups gnomAD compares: South Asian, 0.0055%; no homozygotes.

Submissions (3):

GeneDx
Classification: Uncertain significance. Last evaluated: 2024-07-15. Review status: criteria provided, single submitter. Criteria: GeneDx Variant Classification Process June 2021. Collection method: clinical testing. Allele origin: germline. Affected: yes.
Comment: Not observed at significant frequency in large population cohorts (gnomAD); Missense variant in a gene in which most reported pathogenic variants are truncating/loss of function; Has not been previously published as pathogenic or benign to our knowledge

Fulgent Genetics
Classification: Uncertain significance for Tibial muscular dystrophy; Myopathy, myofibrillar, 9, with early respiratory failure; Dilated cardiomyopathy 1G; Autosomal recessive limb-girdle muscular dystrophy type 2J; Early-onset myopathy with fatal cardiomyopathy; Hypertrophic cardiomyopathy 9. Last evaluated: 2021-07-07. Review status: criteria provided, single submitter. Criteria: ACMG Guidelines, 2015. Collection method: clinical testing. Allele origin: unknown.

Labcorp Genetics (formerly Invitae), Labcorp
Classification: Uncertain significance for Dilated cardiomyopathy 1G; Autosomal recessive limb-girdle muscular dystrophy type 2J. Last evaluated: 2015-11-21. Review status: criteria provided, single submitter. Criteria: Invitae Variant Classification Sherloc (09022015). Collection method: clinical testing. Allele origin: germline.